The following is an entry in ClinVar:

NM_001256545.2(MEGF10):c.-19+8977C>T

Gene: MEGF10 (multiple EGF like domains 10; plus strand). Cytogenetic location: 5q23.2.
Variant type: single nucleotide variant.
Coding change: c.-19+8977C>T on transcript NM_001256545.2 (MANE Select); 8977 bases into the intron after 19 bases upstream of the start codon, C replaced by T.
Molecular consequence: intron variant. On other transcripts: 5 prime UTR variant (2).
Genome position (GRCh38, 1-based): chr5:127,300,033, C>T. VCF-style: chr5-127300033-C-T. GRCh37 (hg19) VCF-style: chr5-126635725-C-T.
Other names: c.-32C>T (NM_001308119.2, NM_032446.3); c.-19+8977C>T (NM_001308121.2).
Identifiers: ClinVar variation 388583 (VCV000388583.1), dbSNP rs559140741, ClinGen allele CA16604775.
Genomic context (GRCh38, chr5:127,300,033, plus strand): 5'-CTGTCATTGTACCTTGATTATAGATTATCATTGCAAATCCATTAAAGAAGGAGAAGCAAG[C>T]GGATTTCAGAGAGGCAAGTAGCTTTATTTTCTTCATTATGTTTTCATTCCCCCCCTCTGT-3'

ClinVar aggregate classification (germline): Likely benign (1 of 4 stars; one submission).

Allele frequency attached by ClinVar (database versions not stated): gnomAD 0.00001 and 0.00002; TOPMed 0.00001; 1000 Genomes Project 30x 0.00016; 1000 Genomes Project 0.00020.

Submission:

GeneDx
Classification: Likely benign. Last evaluated: 2016-08-23. Review status: criteria provided, single submitter. Criteria: GeneDx Variant Classification (06012015). Collection method: clinical testing. Allele origin: germline. Affected: yes.
Comment: This variant is considered likely benign or benign based on one or more of the following criteria: it is a conservative change, it occurs at a poorly conserved position in the protein, it is predicted to be benign by multiple in silico algorithms, and/or has population frequency not consistent with disease.